The following is an entry in ClinVar:

ClinVar aggregate classification (germline): Uncertain significance (1 of 4 stars; one submission).

Submission:

Labcorp Genetics (formerly Invitae), Labcorp
Classification: Uncertain significance. Last evaluated: 2022-11-27. Review status: criteria provided, single submitter. Criteria: Invitae Variant Classification Sherloc (09022015). Collection method: clinical testing. Allele origin: germline.
Comment: This variant, c.4442_4442+1insTCG, results in the insertion of 1 amino acid of the SPTA1 protein (p.Asp1480_Arg1481insSer), but otherwise preserves the integrity of the reading frame. It affects a nucleotide within the consensus splice site. This variant is not present in population databases (gnomAD no frequency). This variant has not been reported in the literature in individuals affected with SPTA1-related conditions. Algorithms developed to predict the effect of sequence changes on RNA splicing suggest that this variant may disrupt the consensus splice site. In summary, the available evidence is currently insufficient to determine the role of this variant in disease. Therefore, it has been classified as a Variant of Uncertain Significance.

NM_003126.4(SPTA1):c.4442_4443insTCG (p.Asp1480_Arg1481insSer)

Gene: SPTA1 (spectrin alpha, erythrocytic 1; minus strand). Cytogenetic location: 1q23.1.
Variant type: Insertion.
Coding change: c.4442_4443insTCG on transcript NM_003126.4 (MANE Select); coding-DNA positions 4442 to 4443, TCG inserted.
Protein change: p.Asp1480_Arg1481insSer.
Molecular consequence: inframe insertion.
Genome position: GRCh38 VCF-style: chr1-158643321-C-CCGA. GRCh37 (hg19) VCF-style: chr1-158613111-C-CCGA.
Identifiers: ClinVar variation 2021885 (VCV002021885.4), dbSNP rs2525030651, ClinGen allele CA2580061241.